The following is an entry in ClinVar:

ClinVar aggregate classification (germline): Uncertain significance (1 of 4 stars; one submission).

Conditions:
Inborn genetic diseases. Identifiers: MedGen C0950123, MeSH D030342.

Submission:

Ambry Genetics
Classification: Uncertain significance for Inborn genetic diseases. Last evaluated: 2023-12-30. Review status: criteria provided, single submitter. Criteria: Ambry Variant Classification Scheme 2023. Collection method: clinical testing. Allele origin: germline.
Comment: The p.M1174I variant (also known as c.3522G>A), located in coding exon 18 of the ATR gene, results from a G to A substitution at nucleotide position 3522. The methionine at codon 1174 is replaced by isoleucine, an amino acid with highly similar properties. This amino acid position is conserved. In addition, the in silico prediction for this alteration is inconclusive. Since supporting evidence is limited at this time, the clinical significance of this alteration remains unclear.

NM_001184.4(ATR):c.3522G>A (p.Met1174Ile)

Gene: ATR (ATR checkpoint kinase; minus strand). Cytogenetic location: 3q23.
Variant type: single nucleotide variant.
Coding change: c.3522G>A on transcript NM_001184.4 (MANE Select); coding-DNA position 3522, G replaced by A.
Protein change: p.Met1174Ile; replaces methionine 1174 with isoleucine.
Molecular consequence: missense variant.
Genome position (GRCh38, 1-based): chr3:142,540,963, C>T on the plus strand (G>A on the coding strand, the complement: ATR is on the minus strand). VCF-style: chr3-142540963-C-T. GRCh37 (hg19) VCF-style: chr3-142259805-C-T.
Other names: c.3330G>A, p.Met1110Ile (NM_001354579.2); short protein forms M1110I, M1174I.
Identifiers: ClinVar variation 3221124 (VCV003221124.1), dbSNP rs1431589305, ClinGen allele CA354807820.